The following is an entry in ClinVar:

ClinVar aggregate classification (germline): Uncertain significance (1 of 4 stars; one submission).

Conditions:
Loeys-Dietz syndrome (LDS). Identifiers: Orphanet 60030, MedGen C2697932, MONDO:0018954.

Submission:

All of Us Research Program, National Institutes of Health
Classification: Uncertain significance for Loeys-Dietz syndrome. Last evaluated: 2023-08-15. Review status: criteria provided, single submitter. Criteria: ACMG Guidelines, 2015. Collection method: clinical testing. Allele origin: germline. Inheritance: Autosomal dominant inheritance. Observed: 1 variant allele, 1 heterozygote.
Comment: This missense variant replaces histidine with leucine at codon 283 of the TGFBR1 protein. Computational prediction suggests that this variant may have deleterious impact on protein structure and function (internally defined REVEL score threshold >= 0.7, PMID: 27666373). To our knowledge, functional studies have not been reported for this variant. This variant has not been reported in individuals affected with TGFBR1-related disorders in the literature. This variant has not been identified in the general population by the Genome Aggregation Database (gnomAD). The available evidence is insufficient to determine the role of this variant in disease conclusively. Therefore, this variant is classified as a Variant of Uncertain Significance.

This study involves interpretation of variants in research participants for the purpose of population health screening. Participant phenotype was not available at the time of variant classification. Additional details can be found in publication PMID: 35346344, PMCID: PMC8962531

NM_004612.4(TGFBR1):c.848A>T (p.His283Leu)

Gene: TGFBR1 (transforming growth factor beta receptor 1; plus strand). Cytogenetic location: 9q22.33.
Variant type: single nucleotide variant.
Coding change: c.848A>T on transcript NM_004612.4 (MANE Select); coding-DNA position 848, A replaced by T.
Protein change: p.His283Leu; replaces histidine 283 with leucine.
Molecular consequence: missense variant. On other transcripts: non-coding transcript variant (4), intron variant (2).
Genome position (GRCh38, 1-based): chr9:99,142,578, A>T. VCF-style: chr9-99142578-A-T. GRCh37 (hg19) VCF-style: chr9-101904860-A-T.
Other names: c.617A>T, p.His206Leu (NM_001130916.3, NM_001407435.1); c.860A>T, p.His287Leu (NM_001306210.2); c.653A>T, p.His218Leu (NM_001407418.1, NM_001407419.1, NM_001407420.1 and 1 more transcripts); c.641A>T, p.His214Leu (NM_001407423.1, NM_001407424.1, NM_001407425.1 and 8 more transcripts); c.602A>T, p.His201Leu (NM_001407436.1); c.140A>T, p.His47Leu (NM_001407437.1); c.371A>T, p.His124Leu (NM_001407438.1); c.818-2154A>T (NM_001407416.1); and 1 more; short protein forms H124L, H201L, H206L, H214L, H218L, H283L, H287L, H47L.
Identifiers: ClinVar variation 3072725 (VCV003072725.1), dbSNP rs1064796037, ClinGen allele CA374230579.